The following is an entry in ClinVar:

ClinVar aggregate classification (germline): Conflicting classifications of pathogenicity. Review status: criteria provided, conflicting classifications (1 of 4 stars). 2 submissions from 2 submitters: Uncertain significance (1); Likely benign (1). Last evaluated 2024-06-24.

Conditions:
Hereditary cancer-predisposing syndrome. Also called: Tumor predisposition; Hereditary neoplastic syndrome; Neoplastic Syndromes, Hereditary; Hereditary Cancer Syndrome. Identifiers: Orphanet 140162, MedGen C0027672, MeSH D009386, MONDO:0015356.
Hereditary breast ovarian cancer syndrome. Also called: Hereditary breast and ovarian cancer; Hereditary breast and/or ovarian cancer syndrome; Hereditary breast and ovarian cancer syndrome; Hereditary breast and ovarian cancer syndrome (HBOC); Breast and ovarian cancer; BRCA1- and BRCA2-Associated Hereditary Breast and Ovarian Cancer. Identifiers: Orphanet 145, MedGen C0677776, MeSH D061325, MONDO:0003582. Disease mechanism: loss of function.

Submissions (2):

Labcorp Genetics (formerly Invitae), Labcorp
Classification: Uncertain significance for Hereditary breast ovarian cancer syndrome. Last evaluated: 2024-06-24. Review status: criteria provided, single submitter. Criteria: Invitae Variant Classification Sherloc (09022015). Collection method: clinical testing. Allele origin: germline.
Comment: This sequence change replaces serine, which is neutral and polar, with leucine, which is neutral and non-polar, at codon 868 of the BRCA1 protein (p.Ser868Leu). This variant is not present in population databases (gnomAD no frequency). This variant has not been reported in the literature in individuals affected with BRCA1-related conditions. ClinVar contains an entry for this variant (Variation ID: 2061314). Advanced modeling of protein sequence and biophysical properties (such as structural, functional, and spatial information, amino acid conservation, physicochemical variation, residue mobility, and thermodynamic stability) performed at Invitae indicates that this missense variant is not expected to disrupt BRCA1 protein function with a negative predictive value of 95%. In summary, the available evidence is currently insufficient to determine the role of this variant in disease. Therefore, it has been classified as a Variant of Uncertain Significance.

University of Washington Department of Laboratory Medicine, University of Washington
Classification: Likely benign for Hereditary cancer-predisposing syndrome. Last evaluated: 2023-03-23. Review status: criteria provided, single submitter. Criteria: Dines et al. (Genet Med. 2020). Collection method: curation. Allele origin: germline.
Comment: Missense variant in a coldspot region where missense variants are very unlikely to be pathogenic (PMID:31911673).

BRCA1 coldspot (exon 11 using historical exon numbering). Reclassification based on statistical prior probability

NM_007294.4(BRCA1):c.2603C>T (p.Ser868Leu)

Gene: BRCA1 (BRCA1 DNA repair associated; minus strand). Cytogenetic location: 17q21.31.
Variant type: single nucleotide variant.
Coding change: c.2603C>T on transcript NM_007294.4 (MANE Select); coding-DNA position 2603, C replaced by T.
Protein change: p.Ser868Leu; replaces serine 868 with leucine.
Molecular consequence: missense variant. On other transcripts: intron variant (137).
Genome position (GRCh38, 1-based): chr17:43,092,928, G>A on the plus strand (C>T on the coding strand, the complement: BRCA1 is on the minus strand). VCF-style: chr17-43092928-G-A. GRCh37 (hg19) VCF-style: chr17-41244945-G-A.
Other names: c.2603C>T, p.Ser868Leu (NM_001407858.1, NM_001407859.1, NM_001407854.1 and 30 more transcripts); c.2480C>T, p.Ser827Leu (NM_001407863.1, NM_001407648.1, NM_001407664.1 and 19 more transcripts); c.2399C>T, p.Ser800Leu (NM_001407874.1, NM_001407875.1); c.2600C>T, p.Ser867Leu (NM_001407860.1, NM_001407861.1, NM_001407587.1 and 22 more transcripts); c.2402C>T, p.Ser801Leu (NM_001407862.1); c.2390C>T, p.Ser797Leu (NM_001407853.1, NM_001407571.1, NM_001407894.1 and 9 more transcripts); c.2462C>T, p.Ser821Leu (NM_001407851.1, NM_001407852.1, NM_001407692.1 and 29 more transcripts); c.2594C>T, p.Ser865Leu (NM_001407646.1, NM_001407647.1); and 41 more; short protein forms S740L, S801L, S821L, S841L, S756L, S757L, S779L, S800L.
Identifiers: ClinVar variation 2061314 (VCV002061314.6), dbSNP rs80356925, ClinGen allele CA10596788.